The following is an entry in ClinVar:

NM_024334.3(TMEM43):c.839G>A (p.Gly280Glu)

Gene: TMEM43 (transmembrane protein 43; plus strand). Cytogenetic location: 3p25.1.
Variant type: single nucleotide variant.
Coding change: c.839G>A on transcript NM_024334.3 (MANE Select); coding-DNA position 839, G replaced by A.
Protein change: p.Gly280Glu; replaces glycine 280 with glutamic acid.
Molecular consequence: missense variant.
Genome position (GRCh38, 1-based): chr3:14,135,865, G>A. VCF-style: chr3-14135865-G-A. GRCh37 (hg19) VCF-style: chr3-14177365-G-A.
Other names: short protein forms G280E.
Identifiers: ClinVar variation 626469 (VCV000626469.4), dbSNP rs1559362201, ClinGen allele CA351535978.
Genomic context (GRCh38, chr3:14,135,865, plus strand): 5'-AGGTCACTGTGATTGCCCGGCAGCGGGGTGACCAGCTAGTCCCATTCTCCACCAAGTCTG[G>A]GGATACCTTACTGCTCCTGCACCACGGGGACTTCTCAGCAGAGGTGAGTGCTGTGCCCTA-3'
Protein context (NP_077310.1, residues 270-290): DQLVPFSTKS[Gly280Glu]DTLLLLHHGD

ClinVar aggregate classification (germline): Uncertain significance. Review status: criteria provided, multiple submitters, no conflicts (2 of 4 stars). 3 submissions from 3 submitters: Uncertain significance (3). Last evaluated 2025-09-29.

Conditions:
Cardiomyopathy (CMYO). Also called: Cardiomyopathies. Identifiers: Orphanet 167848, MedGen C0878544, MONDO:0004994, HP:0001638. Inheritance: Various modes of inheritance.
Arrhythmogenic right ventricular dysplasia 5. Also called: Arrhythmogenic Right Ventricular Dysplasia/Cardiomyopathy 5; ARRHYTHMOGENIC RIGHT VENTRICULAR DYSPLASIA, FAMILIAL, 5. Identifiers: MedGen C1858379, MONDO:0011459, OMIM 604400.

Submissions (3):

Color Diagnostics, LLC DBA Color Health
Classification: Uncertain significance for Cardiomyopathy. Last evaluated: 2025-09-29. Review status: criteria provided, single submitter. Criteria: ACMG Guidelines, 2015. Collection method: clinical testing. Allele origin: germline.
Comment: This missense variant replaces glycine with glutamic acid at codon 280 of the TMEM43 protein. Computational prediction is inconclusive regarding the impact of this variant on protein structure and function. To our knowledge, functional studies have not been reported for this variant. This variant has not been reported in individuals affected with TMEM43-related disorders in the literature. This variant has not been identified in the general population by the Genome Aggregation Database (gnomAD). The available evidence is insufficient to determine the role of this variant in disease conclusively. Therefore, this variant is classified as a Variant of Uncertain Significance.

Labcorp Genetics (formerly Invitae), Labcorp
Classification: Uncertain significance for Arrhythmogenic right ventricular dysplasia 5. Last evaluated: 2025-05-18. Review status: criteria provided, single submitter. Criteria: Invitae Variant Classification Sherloc (09022015). Collection method: clinical testing. Allele origin: germline.
Comment: This sequence change replaces glycine, which is neutral and non-polar, with glutamic acid, which is acidic and polar, at codon 280 of the TMEM43 protein (p.Gly280Glu). This variant is not present in population databases (gnomAD no frequency). This variant has not been reported in the literature in individuals affected with TMEM43-related conditions. ClinVar contains an entry for this variant (Variation ID: 626469). Invitae Evidence Modeling of protein sequence and biophysical properties (such as structural, functional, and spatial information, amino acid conservation, physicochemical variation, residue mobility, and thermodynamic stability) has been performed for this missense variant. However, the output from this modeling did not meet the statistical confidence thresholds required to predict the impact of this variant on TMEM43 protein function. In summary, the available evidence is currently insufficient to determine the role of this variant in disease. Therefore, it has been classified as a Variant of Uncertain Significance.

CHEO Genetics Diagnostic Laboratory, Children's Hospital of Eastern Ontario
Classification: Uncertain significance for Cardiomyopathy. Last evaluated: 2017-10-12. Review status: criteria provided, single submitter. Criteria: ACMG Guidelines, 2015. Collection method: clinical testing. Allele origin: germline. Study: Canadian Open Genetics Repository.